The following is an entry in ClinVar:

NM_001099922.3(ALG13):c.989A>G (p.Asn330Ser)

Gene: ALG13 (ALG13 UDP-N-acetylglucosaminyltransferase subunit; plus strand). Cytogenetic location: Xq23.
Variant type: single nucleotide variant.
Coding change: c.989A>G on transcript NM_001099922.3 (MANE Select); coding-DNA position 989, A replaced by G.
Protein change: p.Asn330Ser; replaces asparagine 330 with serine.
Molecular consequence: missense variant. On other transcripts: non-coding transcript variant (1).
Genome position (GRCh38, 1-based): chrX:111,713,281, A>G. VCF-style: chrX-111713281-A-G. GRCh37 (hg19) VCF-style: chrX-110956509-A-G.
Other names: c.677A>G, p.Asn226Ser (NM_001257230.2, NM_001257234.2, NM_001257237.2 and 1 more transcripts); c.755A>G, p.Asn252Ser (NM_001257231.2); c.989A>G, p.Asn330Ser (NM_001324292.2); short protein forms N226S, N252S, N330S.
Identifiers: ClinVar variation 2662429 (VCV002662429.1), dbSNP rs2525663816, ClinGen allele CA414250580.

ClinVar aggregate classification (germline): Uncertain significance (1 of 4 stars; one submission).

Submission:

GeneDx
Classification: Uncertain significance. Last evaluated: 2023-10-03. Review status: criteria provided, single submitter. Criteria: GeneDx Variant Classification Process June 2021. Collection method: clinical testing. Allele origin: germline. Affected: yes.
Comment: Not observed at significant frequency in large population cohorts (gnomAD); In silico analysis supports that this missense variant has a deleterious effect on protein structure/function; Has not been previously published as pathogenic or benign to our knowledge